The following is an entry in ClinVar:

ClinVar aggregate classification (germline): Uncertain significance (1 of 4 stars; one submission).

Conditions:
Dilated cardiomyopathy 1JJ (CMD1JJ). Identifiers: Orphanet 154, MedGen C3808935, MONDO:0014095, OMIM 615235.

Allele frequency attached by ClinVar (database versions not stated): ExAC 0.00002.

Submission:

Labcorp Genetics (formerly Invitae), Labcorp
Classification: Uncertain significance for Dilated cardiomyopathy 1JJ. Last evaluated: 2019-09-17. Review status: criteria provided, single submitter. Criteria: Invitae Variant Classification Sherloc (09022015). Collection method: clinical testing. Allele origin: germline.
Comment: This variant has not been reported in the literature in individuals with LAMA4-related conditions. In summary, the available evidence is currently insufficient to determine the role of this variant in disease. Therefore, it has been classified as a Variant of Uncertain Significance. Nucleotide substitutions within the consensus splice site are a relatively common cause of aberrant splicing (PMID: 17576681, 9536098). This variant is present in population databases (rs782339977, ExAC 0.02%). This sequence change falls in intron 31 of the LAMA4 gene. It does not directly change the encoded amino acid sequence of the LAMA4 protein, but it affects a nucleotide within the consensus splice site of the intron.

Literature cited by the submitters: PubMed 17576681; PubMed 9536098.

NM_001105206.3(LAMA4):c.4288-3T>C

Gene: LAMA4 (laminin subunit alpha 4; minus strand). Cytogenetic location: 6q21.
Variant type: single nucleotide variant.
Coding change: c.4288-3T>C on transcript NM_001105206.3 (MANE Select); 3 bases into the intron before coding-DNA position 4288, T replaced by C.
Molecular consequence: intron variant.
Genome position (GRCh38, 1-based): chr6:112,122,204, A>G on the plus strand (T>C on the coding strand, the complement: LAMA4 is on the minus strand). VCF-style: chr6-112122204-A-G. GRCh37 (hg19) VCF-style: chr6-112443407-A-G.
Other names: c.4267-3T>C (NM_002290.5, NM_001105207.3).
Identifiers: ClinVar variation 934516 (VCV000934516.9), dbSNP rs782339977, ClinGen allele CA3965006.
Genomic context (GRCh38, chr6:112,122,204, plus strand): 5'-GCTCTGGGAGTTTCAGAGCAACAGGATCCCATGAAGGTGCATCTTTACTTTTCCCTCCCT[A>G]TAAAAGTAAACCAAATTAAGGGATAAAAGTGACATACTAGCAGCAAAAAGTAATTTGTGA-3'